The following is an entry in ClinVar:

NM_006231.4(POLE):c.906C>T (p.Gly302=)

Gene: POLE (DNA polymerase epsilon, catalytic subunit; minus strand). Cytogenetic location: 12q24.33.
Variant type: single nucleotide variant.
Coding change: c.906C>T on transcript NM_006231.4 (MANE Select); coding-DNA position 906, C replaced by T.
Protein change: p.Gly302=; no amino-acid change (glycine 302 retained).
Molecular consequence: synonymous variant.
Genome position (GRCh38, 1-based): chr12:132,676,549, G>A on the plus strand (C>T on the coding strand, the complement: POLE is on the minus strand). VCF-style: chr12-132676549-G-A. GRCh37 (hg19) VCF-style: chr12-133253135-G-A.
Identifiers: ClinVar variation 2089712 (VCV002089712.5), dbSNP rs2136015413, ClinGen allele CA482723368.
Genomic context (GRCh38, chr12:132,676,549, plus strand): 5'-GGGGACCAGACAAGGTCCCCATCCCAGGAGCTTACTTCCCAGAAGCCACCTGCTCACCTG[G>A]CCATCGATCATGTAGGAAATCATCATAATCTGGTCTGTCTCAGCATCAGGAAACTTGAGG-3'
Protein context (NP_006222.2, residues 292-312): QIMMISYMID[Gly302=]QGYLITNREI

ClinVar aggregate classification (germline): Benign/Likely benign. Review status: criteria provided, multiple submitters, no conflicts (2 of 4 stars). 2 submissions from 2 submitters: Benign (1); Likely benign (1). Last evaluated 2025-02-07.

Conditions:
Colorectal cancer, susceptibility to, 12 (CRCS12). Also called: COLORECTAL CANCER, SUSCEPTIBILITY TO, ON CHROMOSOME 12q24. Identifiers: Orphanet 220460, MedGen C3554460, MONDO:0014038, OMIM 615083.

Submissions (2):

Myriad Genetics, Inc.
Classification: Benign for Colorectal cancer, susceptibility to, 12. Last evaluated: 2025-02-07. Review status: criteria provided, single submitter. Criteria: Myriad Autosomal Dominant, Autosomal Recessive and X-Linked Classification Criteria (2023). Collection method: clinical testing. Allele origin: unknown.
Comment: This variant is considered benign. This variant is a silent/synonymous amino acid change and it is not expected to impact splicing.

Labcorp Genetics (formerly Invitae), Labcorp
Classification: Likely benign. Last evaluated: 2022-07-03. Review status: criteria provided, single submitter. Criteria: Invitae Variant Classification Sherloc (09022015). Collection method: clinical testing. Allele origin: germline.